The following is an entry in ClinVar:

ClinVar aggregate classification (germline): Uncertain significance (1 of 4 stars; one submission).

Conditions:
CHARGE syndrome (CHARGE). Also called: Hittner Hirsch Kreh syndrome; CHARGE ASSOCIATION--COLOBOMA, HEART ANOMALY, CHOANAL ATRESIA, RETARDATION, GENITAL AND EAR ANOMALIES; Coloboma, heart anomaly, choanal atresia, retardation, genital and ear anomalies; CHARGE association; Hall-Hittner syndrome. Identifiers: Orphanet 138, MedGen C0265354, MONDO:0008965.

Submission:

Labcorp Genetics (formerly Invitae), Labcorp
Classification: Uncertain significance for CHARGE syndrome. Last evaluated: 2023-02-09. Review status: criteria provided, single submitter. Criteria: Invitae Variant Classification Sherloc (09022015). Collection method: clinical testing. Allele origin: germline.
Comment: Advanced modeling of protein sequence and biophysical properties (such as structural, functional, and spatial information, amino acid conservation, physicochemical variation, residue mobility, and thermodynamic stability) performed at Invitae indicates that this missense variant is expected to disrupt CHD7 protein function. This variant has not been reported in the literature in individuals affected with CHD7-related conditions. This variant is not present in population databases (gnomAD no frequency). This sequence change replaces arginine, which is basic and polar, with serine, which is neutral and polar, at codon 2646 of the CHD7 protein (p.Arg2646Ser). In summary, the available evidence is currently insufficient to determine the role of this variant in disease. Therefore, it has been classified as a Variant of Uncertain Significance.

NM_017780.4(CHD7):c.7938G>C (p.Arg2646Ser)

Gene: CHD7 (chromodomain helicase DNA binding protein 7; plus strand). Cytogenetic location: 8q12.2.
Variant type: single nucleotide variant.
Coding change: c.7938G>C on transcript NM_017780.4 (MANE Select); coding-DNA position 7938, G replaced by C.
Protein change: p.Arg2646Ser; replaces arginine 2646 with serine.
Molecular consequence: missense variant.
Genome position (GRCh38, 1-based): chr8:60,862,303, G>C. VCF-style: chr8-60862303-G-C. GRCh37 (hg19) VCF-style: chr8-61774862-G-C.
Other names: c.1791G>C, p.Arg597Ser (NM_001316690.1); short protein forms R597S, R2646S.
Identifiers: ClinVar variation 2792814 (VCV002792814.3), dbSNP rs2488118546, ClinGen allele CA371305587.